The following is an entry in ClinVar:

NM_024589.3(ROGDI):c.541G>A (p.Ala181Thr)

Gene: ROGDI (rogdi atypical leucine zipper; minus strand). Cytogenetic location: 16p13.3.
Variant type: single nucleotide variant.
Coding change: c.541G>A on transcript NM_024589.3 (MANE Select); coding-DNA position 541, G replaced by A.
Protein change: p.Ala181Thr; replaces alanine 181 with threonine.
Molecular consequence: missense variant. On other transcripts: non-coding transcript variant (1).
Genome position (GRCh38, 1-based): chr16:4,798,175, C>T on the plus strand (G>A on the coding strand, the complement: ROGDI is on the minus strand). VCF-style: chr16-4798175-C-T. GRCh37 (hg19) VCF-style: chr16-4848176-C-T.
Other names: short protein forms A181T.
Identifiers: ClinVar variation 565389 (VCV000565389.6), dbSNP rs750166706, ClinGen allele CA7882647.

ClinVar aggregate classification (germline): Uncertain significance (1 of 4 stars; one submission).

Conditions:
Amelocerebrohypohidrotic syndrome (KTZS). Also called: EPILEPSY AND YELLOW TEETH; EPILEPSY, DEMENTIA, AND AMELOGENESIS IMPERFECTA; Kohlschutter's syndrome; KOHLSCHUTTER SYNDROME. Identifiers: Orphanet 1946, MedGen C0406740, MONDO:0009185, OMIM 226750.

Allele frequency attached by ClinVar (database versions not stated): ExAC 0.00002; TOPMed 0.00013; gnomAD 0.00016.
gnomAD v4.1: 34 of 1,613,356 alleles (0.0021%); highest among the groups gnomAD compares: African/African-American, 0.031%; no homozygotes.

Submission:

Labcorp Genetics (formerly Invitae), Labcorp
Classification: Uncertain significance for Amelocerebrohypohidrotic syndrome. Last evaluated: 2022-08-13. Review status: criteria provided, single submitter. Criteria: Invitae Variant Classification Sherloc (09022015). Collection method: clinical testing. Allele origin: germline.
Comment: This sequence change replaces alanine, which is neutral and non-polar, with threonine, which is neutral and polar, at codon 181 of the ROGDI protein (p.Ala181Thr). This variant is present in population databases (rs750166706, gnomAD 0.03%). This variant has not been reported in the literature in individuals affected with ROGDI-related conditions. ClinVar contains an entry for this variant (Variation ID: 565389). Algorithms developed to predict the effect of missense changes on protein structure and function output the following: SIFT: "Tolerated"; PolyPhen-2: "Benign"; Align-GVGD: "Class C0". The threonine amino acid residue is found in multiple mammalian species, which suggests that this missense change does not adversely affect protein function. In summary, the available evidence is currently insufficient to determine the role of this variant in disease. Therefore, it has been classified as a Variant of Uncertain Significance.